The following is an entry in ClinVar:

ClinVar aggregate classification (germline): Uncertain significance (1 of 4 stars; one submission).

Conditions:
Spinocerebellar ataxia type 19/22 (SCA19). Also called: SPINOCEREBELLAR ATAXIA 19; SPINOCEREBELLAR ATAXIA 22. Identifiers: Orphanet 98772, MedGen C1846367, MONDO:0011819, OMIM 607346.

Allele frequency attached by ClinVar (database versions not stated): gnomAD exomes below 0.00001.
gnomAD v4.1: 1 of 1,614,098 alleles (0.000062%); highest among the groups gnomAD compares: Non-Finnish European, 0.000085%; no homozygotes.

Submission:

Labcorp Genetics (formerly Invitae), Labcorp
Classification: Uncertain significance for Spinocerebellar ataxia type 19/22. Last evaluated: 2025-05-01. Review status: criteria provided, single submitter. Criteria: Invitae Variant Classification Sherloc (09022015). Collection method: clinical testing. Allele origin: germline.
Comment: This sequence change replaces leucine, which is neutral and non-polar, with tryptophan, which is neutral and slightly polar, at codon 595 of the KCND3 protein (p.Leu595Trp). This variant is present in population databases (no rsID available, gnomAD 0.0009%). This variant has not been reported in the literature in individuals affected with KCND3-related conditions. ClinVar contains an entry for this variant (Variation ID: 655552). Invitae Evidence Modeling of protein sequence and biophysical properties (such as structural, functional, and spatial information, amino acid conservation, physicochemical variation, residue mobility, and thermodynamic stability) indicates that this missense variant is not expected to disrupt KCND3 protein function with a negative predictive value of 95%. In summary, the available evidence is currently insufficient to determine the role of this variant in disease. Therefore, it has been classified as a Variant of Uncertain Significance.

NM_001378969.1(KCND3):c.1784T>G (p.Leu595Trp)

Gene: KCND3 (potassium voltage-gated channel subfamily D member 3; minus strand). Cytogenetic location: 1p13.2.
Variant type: single nucleotide variant.
Coding change: c.1784T>G on transcript NM_001378969.1 (MANE Select); coding-DNA position 1784, T replaced by G.
Protein change: p.Leu595Trp; replaces leucine 595 with tryptophan.
Molecular consequence: missense variant.
Genome position (GRCh38, 1-based): chr1:111,776,261, A>C on the plus strand (T>G on the coding strand, the complement: KCND3 is on the minus strand). VCF-style: chr1-111776261-A-C. GRCh37 (hg19) VCF-style: chr1-112318883-A-C.
Other names: c.1727T>G, p.Leu576Trp (NM_001378970.1, NM_172198.3); c.1784T>G, p.Leu595Trp (NM_004980.5); short protein forms L576W, L595W.
Identifiers: ClinVar variation 655552 (VCV000655552.8), dbSNP rs1483036958, ClinGen allele CA341655796.
Genomic context (GRCh38, chr1:111,776,261, plus strand): 5'-ATGATGGCTGTGGTGATCTGGGATGTTTTGCAGTTTGGTCTCAGTCCGTCGTCTGCTTTC[A>C]AATTAAGGCTGGAGCGACTGGGATAGAAAAGAGTGAGTTGATGATGGTTCCTGCTGGCCA-3'
Protein context (NP_001365898.1, residues 585-605): SLTTSRSSLN[Leu595Trp]KADDGLRPNC